The following is an entry in ClinVar:

ClinVar aggregate classification (germline): Uncertain significance (1 of 4 stars; one submission).

Conditions:
Hereditary cancer-predisposing syndrome. Also called: Neoplastic Syndromes, Hereditary; Tumor predisposition; Hereditary Cancer Syndrome; Hereditary neoplastic syndrome. Identifiers: Orphanet 140162, MedGen C0027672, MeSH D009386, MONDO:0015356.

Submission:

Color Diagnostics, LLC DBA Color Health
Classification: Uncertain significance for Hereditary cancer-predisposing syndrome. Last evaluated: 2024-03-06. Review status: criteria provided, single submitter. Criteria: ACMG Guidelines, 2015. Collection method: clinical testing. Allele origin: germline.
Comment: This missense variant replaces serine with arginine at codon 1001 of the BRIP1 protein. Computational prediction suggests that this variant may not impact protein structure and function. To our knowledge, functional studies have not been reported for this variant. This variant has not been reported in individuals affected with BRIP1-related disorders in the literature. This variant has not been identified in the general population by the Genome Aggregation Database (gnomAD). The available evidence is insufficient to determine the role of this variant in disease conclusively. Therefore, this variant is classified as a Variant of Uncertain Significance.

NM_032043.3(BRIP1):c.3001A>C (p.Ser1001Arg)

Gene: BRIP1 (BRCA1 interacting DNA helicase 1; minus strand). Cytogenetic location: 17q23.2.
Variant type: single nucleotide variant.
Coding change: c.3001A>C on transcript NM_032043.3 (MANE Select); coding-DNA position 3001, A replaced by C.
Protein change: p.Ser1001Arg; replaces serine 1001 with arginine.
Molecular consequence: missense variant.
Genome position (GRCh38, 1-based): chr17:61,684,045, T>G on the plus strand (A>C on the coding strand, the complement: BRIP1 is on the minus strand). VCF-style: chr17-61684045-T-G. GRCh37 (hg19) VCF-style: chr17-59761406-T-G.
Other names: short protein forms S1001R.
Identifiers: ClinVar variation 3894339 (VCV003894339.1).